The following is an entry in ClinVar:

NM_006947.4(SRP72):c.1233dup (p.Leu412fs)

Gene: SRP72 (signal recognition particle 72; plus strand). Cytogenetic location: 4q12.
Variant type: Duplication.
Coding change: c.1233dup on transcript NM_006947.4 (MANE Select); coding-DNA position 1233, one base duplicated (A; older notation c.1233dupA).
Protein change: p.Leu412fs; shifts the reading frame from leucine 412.
Molecular consequence: frameshift variant. On other transcripts: non-coding transcript variant (1).
Genome position (GRCh38, 1-based): chr4:56,489,396, A duplicated. VCF-style (leftmost placement, unchanged base first): chr4-56489395-C-CA. GRCh37 (hg19) VCF-style: chr4-57355561-C-CA.
Other names: c.1050dup, p.Leu351fs (NM_001267722.2); short protein forms L351fs, L412fs.
Identifiers: ClinVar variation 2089661 (VCV002089661.4), dbSNP rs1397277891, ClinGen allele CA551768524.

ClinVar aggregate classification (germline): Uncertain significance (1 of 4 stars; one submission).

Allele frequency attached by ClinVar (database versions not stated): gnomAD exomes below 0.00001; TOPMed below 0.00001.

Submission:

Labcorp Genetics (formerly Invitae), Labcorp
Classification: Uncertain significance. Last evaluated: 2023-08-24. Review status: criteria provided, single submitter. Criteria: Invitae Variant Classification Sherloc (09022015). Collection method: clinical testing. Allele origin: germline.
Comment: In summary, the available evidence is currently insufficient to determine the role of this variant in disease. Therefore, it has been classified as a Variant of Uncertain Significance. ClinVar contains an entry for this variant (Variation ID: 2089661). This variant has not been reported in the literature in individuals affected with SRP72-related conditions. This variant is present in population databases (no rsID available, gnomAD no frequency). This sequence change creates a premature translational stop signal (p.Leu412Ilefs*6) in the SRP72 gene. It is expected to result in an absent or disrupted protein product. However, the current clinical and genetic evidence is not sufficient to establish whether loss-of-function variants in SRP72 cause disease.